The following is an entry in ClinVar:

ClinVar aggregate classification (germline): Uncertain significance. Review status: criteria provided, multiple submitters, no conflicts (2 of 4 stars). 6 submissions from 6 submitters: Uncertain significance (6). Last evaluated 2025-05-20.

Conditions:
Hereditary cancer-predisposing syndrome. Also called: Hereditary neoplastic syndrome; Tumor predisposition; Hereditary Cancer Syndrome; Neoplastic Syndromes, Hereditary. Identifiers: Orphanet 140162, MedGen C0027672, MeSH D009386, MONDO:0015356.
Hereditary breast ovarian cancer syndrome. Also called: Hereditary breast and/or ovarian cancer syndrome; BRCA1- and BRCA2-Associated Hereditary Breast and Ovarian Cancer; Breast and ovarian cancer; Hereditary breast and ovarian cancer; Hereditary breast and ovarian cancer syndrome; Hereditary breast and ovarian cancer syndrome (HBOC). Identifiers: Orphanet 145, MedGen C0677776, MeSH D061325, MONDO:0003582. Disease mechanism: loss of function.

Allele frequency attached by ClinVar (database versions not stated): gnomAD exomes below 0.00001.
gnomAD v4.1: 1 of 1,613,922 alleles (0.000062%); highest among the groups gnomAD compares: Non-Finnish European, 0.000085%; no homozygotes.

Submissions (6):

Color Diagnostics, LLC DBA Color Health
Classification: Uncertain significance for Hereditary cancer-predisposing syndrome. Last evaluated: 2025-05-20. Review status: criteria provided, single submitter. Criteria: ACMG Guidelines, 2015. Collection method: clinical testing. Allele origin: germline.
Comment: This missense variant replaces glutamic acid with glutamine at codon 83 of the BRCA2 protein. Computational prediction suggests that this variant may not impact protein structure and function. To our knowledge, functional studies have not been reported for this variant. This variant has been reported in an individual affected with breast cancer (PMID: 33471991Leiden Open Variation Database DB-ID BRCA2_001290). This variant has not been identified in the general population by the Genome Aggregation Database (gnomAD). The available evidence is insufficient to determine the role of this variant in disease conclusively. Therefore, this variant is classified as a Variant of Uncertain Significance.

Women's Health and Genetics/Laboratory Corporation of America, LabCorp
Classification: Uncertain significance. Last evaluated: 2025-01-28. Review status: criteria provided, single submitter. Criteria: LabCorp Variant Classification Summary - May 2015. Collection method: clinical testing. Allele origin: germline.
Comment: Variant summary: BRCA2 c.247G>C (p.Glu83Gln) results in a conservative amino acid change in the encoded protein sequence. Three of five in-silico tools predict a damaging effect of the variant on protein function. The variant was absent in 251326 control chromosomes. The available data on variant occurrences in the general population are insufficient to allow any conclusion about variant significance. c.247G>C has been reported in one breast cancer case by a large study in the Breast Cancer Association Consortium (Dorling_2021). These report(s) do not provide unequivocal conclusions about association of the variant with Hereditary Breast And Ovarian Cancer Syndrome. To our knowledge, no experimental evidence demonstrating an impact on protein function has been reported. The following publication has been ascertained in the context of this evaluation (PMID: 33471991). ClinVar contains an entry for this variant (Variation ID: 491220). Based on the evidence outlined above, the variant was classified as uncertain significance.

Labcorp Genetics (formerly Invitae), Labcorp
Classification: Uncertain significance for Hereditary breast ovarian cancer syndrome. Last evaluated: 2025-01-06. Review status: criteria provided, single submitter. Criteria: Invitae Variant Classification Sherloc (09022015). Collection method: clinical testing. Allele origin: germline.
Comment: This sequence change replaces glutamic acid, which is acidic and polar, with glutamine, which is neutral and polar, at codon 83 of the BRCA2 protein (p.Glu83Gln). This variant is not present in population databases (gnomAD no frequency). This variant has not been reported in the literature in individuals affected with BRCA2-related conditions. ClinVar contains an entry for this variant (Variation ID: 491220). Invitae Evidence Modeling of protein sequence and biophysical properties (such as structural, functional, and spatial information, amino acid conservation, physicochemical variation, residue mobility, and thermodynamic stability) indicates that this missense variant is not expected to disrupt BRCA2 protein function with a negative predictive value of 95%. In summary, the available evidence is currently insufficient to determine the role of this variant in disease. Therefore, it has been classified as a Variant of Uncertain Significance.

Quest Diagnostics Nichols Institute San Juan Capistrano
Classification: Uncertain significance. Last evaluated: 2024-09-25. Review status: criteria provided, single submitter. Criteria: Quest Diagnostics criteria. Collection method: clinical testing. Allele origin: unknown.
Comment: The BRCA2 c.247G>C (p.Glu83Gln) variant has been reported in the published literature in a large-scale breast cancer association study in an individual with breast cancer (PMID: 33471991 (2021) see also LOVD). This variant has not been reported in large, multi-ethnic general populations (Genome Aggregation Database). Analysis of this variant using bioinformatics tools for the prediction of the effect of amino acid changes on protein structure and function yielded conflicting predictions that this variant is benign or damaging. Based on the available information, we are unable to determine the clinical significance of this variant.

Ambry Genetics
Classification: Uncertain significance for Hereditary cancer-predisposing syndrome. Last evaluated: 2024-07-01. Review status: criteria provided, single submitter. Criteria: Ambry Variant Classification Scheme 2023. Collection method: clinical testing. Allele origin: germline.
Comment: The p.E83Q variant (also known as c.247G>C), located in coding exon 2 of the BRCA2 gene, results from a G to C substitution at nucleotide position 247. The glutamic acid at codon 83 is replaced by glutamine, an amino acid with highly similar properties. This amino acid position is not well conserved in available vertebrate species. In addition, this alteration is predicted to be tolerated by in silico analysis. Based on the available evidence, the clinical significance of this variant remains unclear.

Mendelics
Classification: Uncertain significance. Last evaluated: 2022-05-04. Review status: criteria provided, single submitter. Criteria: Mendelics Assertion Criteria 2019. Collection method: clinical testing. Allele origin: germline.

Literature cited by the submitters: PubMed 33471991 (cited by 3 submitters).

NM_000059.4(BRCA2):c.247G>C (p.Glu83Gln)

Gene: BRCA2 (BRCA2 DNA repair associated; plus strand). Cytogenetic location: 13q13.1.
Variant type: single nucleotide variant.
Coding change: c.247G>C on transcript NM_000059.4 (MANE Select); coding-DNA position 247, G replaced by C.
Protein change: p.Glu83Gln; replaces glutamic acid 83 with glutamine.
Molecular consequence: missense variant.
Genome position (GRCh38, 1-based): chr13:32,319,256, G>C. VCF-style: chr13-32319256-G-C. GRCh37 (hg19) VCF-style: chr13-32893393-G-C.
Other names: short protein forms E83Q.
Identifiers: ClinVar variation 491220 (VCV000491220.22), dbSNP rs886040428, ClinGen allele CA387754537.